The following is an entry in ClinVar:

ClinVar aggregate classification (germline): Uncertain significance (1 of 4 stars; one submission).

Conditions:
Hereditary cancer-predisposing syndrome. Also called: Neoplastic Syndromes, Hereditary; Tumor predisposition; Hereditary Cancer Syndrome; Hereditary neoplastic syndrome. Identifiers: Orphanet 140162, MedGen C0027672, MeSH D009386, MONDO:0015356.

Submission:

Ambry Genetics
Classification: Uncertain significance for Hereditary cancer-predisposing syndrome. Last evaluated: 2022-10-20. Review status: criteria provided, single submitter. Criteria: Ambry Variant Classification Scheme 2023. Collection method: clinical testing. Allele origin: germline.
Comment: The p.A726V variant (also known as c.2177C>T), located in coding exon 15 of the TSC1 gene, results from a C to T substitution at nucleotide position 2177. The alanine at codon 726 is replaced by valine, an amino acid with similar properties. This amino acid position is conserved. In addition, the in silico prediction for this alteration is inconclusive. Since supporting evidence is limited at this time, the clinical significance of this alteration remains unclear.

NM_000368.5(TSC1):c.2177C>T (p.Ala726Val)

Gene: TSC1 (TSC complex subunit 1; minus strand). Cytogenetic location: 9q34.13.
Variant type: single nucleotide variant.
Coding change: c.2177C>T on transcript NM_000368.5 (MANE Select); coding-DNA position 2177, C replaced by T.
Protein change: p.Ala726Val; replaces alanine 726 with valine.
Molecular consequence: missense variant.
Genome position (GRCh38, 1-based): chr9:132,903,682, G>A on the plus strand (C>T on the coding strand, the complement: TSC1 is on the minus strand). VCF-style: chr9-132903682-G-A. GRCh37 (hg19) VCF-style: chr9-135779069-G-A.
Other names: c.2174C>T, p.Ala725Val (NM_001162426.2, NM_001406597.1, NM_001406598.1 and 4 more transcripts); c.2024C>T, p.Ala675Val (NM_001162427.2, NM_001406610.1); c.1814C>T, p.Ala605Val (NM_001362177.2, NM_001406614.1, NM_001406615.1 and 5 more transcripts); c.2177C>T, p.Ala726Val (NM_001406592.1, NM_001406593.1, NM_001406594.1 and 5 more transcripts); c.2162C>T, p.Ala721Val (NM_001406601.1, NM_001406602.1); c.2159C>T, p.Ala720Val (NM_001406603.1, NM_001406604.1); c.2021C>T, p.Ala674Val (NM_001406611.1, NM_001406612.1, NM_001406613.1); c.1811C>T, p.Ala604Val (NM_001406620.1, NM_001406621.1, NM_001406622.1 and 2 more transcripts); and 3 more; short protein forms A674V, A725V, A726V, A604V, A409V, A675V, A721V, A375V.
Identifiers: ClinVar variation 1787199 (VCV001787199.2), dbSNP rs118203655, ClinGen allele CA375360722.